The following is an entry in ClinVar:

ClinVar aggregate classification (germline): Uncertain significance. Review status: criteria provided, multiple submitters, no conflicts (2 of 4 stars). 2 submissions from 2 submitters: Uncertain significance (2). Last evaluated 2025-05-27.

Conditions:
Hereditary cancer-predisposing syndrome. Also called: Neoplastic Syndromes, Hereditary; Hereditary Cancer Syndrome; Tumor predisposition; Hereditary neoplastic syndrome. Identifiers: Orphanet 140162, MedGen C0027672, MeSH D009386, MONDO:0015356.
Chuvash polycythemia. Also called: POLYCYTHEMIA, VHL-DEPENDENT. Identifiers: Orphanet 238557, MedGen C1837915, MONDO:0009892, OMIM 263400.
Von Hippel-Lindau syndrome (VHLS). Also called: Von Hippel-Lindau; von Hippel–Lindau syndrome; VHL syndrome. Identifiers: Orphanet 892, MedGen C0019562, MONDO:0008667, OMIM 193300. Disease mechanism: loss of function.

Submissions (2):

Labcorp Genetics (formerly Invitae), Labcorp
Classification: Uncertain significance for Von Hippel-Lindau syndrome; Chuvash polycythemia. Last evaluated: 2025-05-27. Review status: criteria provided, single submitter. Criteria: Invitae Variant Classification Sherloc (09022015). Collection method: clinical testing. Allele origin: germline.
Comment: This sequence change replaces proline, which is neutral and non-polar, with histidine, which is basic and polar, at codon 2 of the VHL protein (p.Pro2His). This variant is not present in population databases (gnomAD no frequency). This variant has not been reported in the literature in individuals affected with VHL-related conditions. ClinVar contains an entry for this variant (Variation ID: 2024609). Invitae Evidence Modeling of protein sequence and biophysical properties (such as structural, functional, and spatial information, amino acid conservation, physicochemical variation, residue mobility, and thermodynamic stability) has been performed for this missense variant. However, the output from this modeling did not meet the statistical confidence thresholds required to predict the impact of this variant on VHL protein function. In summary, the available evidence is currently insufficient to determine the role of this variant in disease. Therefore, it has been classified as a Variant of Uncertain Significance.

Ambry Genetics
Classification: Uncertain significance for Hereditary cancer-predisposing syndrome. Last evaluated: 2022-11-23. Review status: criteria provided, single submitter. Criteria: Ambry Variant Classification Scheme 2023. Collection method: clinical testing. Allele origin: germline.
Comment: The p.P2H variant (also known as c.5C>A), located in coding exon 1 of the VHL gene, results from a C to A substitution at nucleotide position 5. The proline at codon 2 is replaced by histidine, an amino acid with similar properties. This amino acid position is well conserved in available vertebrate species. In addition, this alteration is predicted to be tolerated by in silico analysis. Since supporting evidence is limited at this time, the clinical significance of this alteration remains unclear.

NM_000551.4(VHL):c.5C>A (p.Pro2His)

Gene: VHL (von Hippel-Lindau tumor suppressor; plus strand). Cytogenetic location: 3p25.3.
Variant type: single nucleotide variant.
Coding change: c.5C>A on transcript NM_000551.4 (MANE Select); coding-DNA position 5, C replaced by A.
Protein change: p.Pro2His; replaces proline 2 with histidine.
Molecular consequence: missense variant.
Genome position (GRCh38, 1-based): chr3:10,141,852, C>A. VCF-style: chr3-10141852-C-A. GRCh37 (hg19) VCF-style: chr3-10183536-C-A.
Other names: c.5C>A, p.Pro2His (NM_001354723.2, NM_198156.3); short protein forms P2H.
Identifiers: ClinVar variation 2024609 (VCV002024609.4), dbSNP rs111246617, ClinGen allele CA351747016.